The following is an entry in ClinVar:

ClinVar aggregate classification (germline): Benign/Likely benign. Review status: criteria provided, multiple submitters, no conflicts (2 of 4 stars). 12 submissions from 12 submitters: Benign (5); Likely benign (4). 3 of the submissions do not count toward it. Last evaluated 2026-02-03.

Conditions:
Cardiovascular phenotype. Identifiers: MedGen CN230736.
Meester-Loeys syndrome. Also called: X-linked severe syndromic thoracic aortic aneurysm and dissection. Identifiers: Orphanet 622925, MedGen C4310811, MONDO:0010515, OMIM 300989.
X-linked spondyloepimetaphyseal dysplasia. Identifiers: Orphanet 93349, MedGen C1848097, MONDO:0010248, OMIM 300106.

Allele frequency attached by ClinVar (database versions not stated): ESP Exome Variant Server 0.00133; gnomAD 0.00141 and 0.00140; 1000 Genomes Project 30x 0.00083; gnomAD exomes 0.00283 and 0.00148; TOPMed 0.00145; 1000 Genomes Project 0.00106; ExAC 0.00125.

Submissions (12):

Labcorp Genetics (formerly Invitae), Labcorp
Classification: Benign. Last evaluated: 2026-02-03. Review status: criteria provided, single submitter. Criteria: Invitae Variant Classification Sherloc (09022015). Collection method: clinical testing. Allele origin: germline.

Blueprint Genetics
Classification: Likely benign. Last evaluated: 2024-09-25. Review status: criteria provided, single submitter. Criteria: ACMG Guidelines, 2015. Collection method: clinical testing. Allele origin: germline.

ARUP Laboratories, Molecular Genetics and Genomics, ARUP Laboratories
Classification: Benign. Last evaluated: 2024-07-25. Review status: criteria provided, single submitter. Criteria: ARUP Molecular Germline Variant Investigation Process 2024. Collection method: clinical testing. Allele origin: germline.

Mayo Clinic Laboratories, Mayo Clinic
Classification: Benign. Last evaluated: 2023-10-30. Review status: criteria provided, single submitter. Criteria: ACMG Guidelines, 2015. Collection method: clinical testing. Allele origin: germline. Observed: 2 variant alleles.
Comment: BS1, BS2, BP4, BP7

Women's Health and Genetics/Laboratory Corporation of America, LabCorp
Classification: Benign. Last evaluated: 2023-08-24. Review status: criteria provided, single submitter. Criteria: LabCorp Variant Classification Summary - May 2015. Collection method: clinical testing. Allele origin: germline.

Fulgent Genetics
Classification: Likely benign for X-linked spondyloepimetaphyseal dysplasia; Meester-Loeys syndrome. Last evaluated: 2021-07-30. Review status: criteria provided, single submitter. Criteria: ACMG Guidelines, 2015. Collection method: clinical testing. Allele origin: unknown.

GeneDx
Classification: Likely benign. Last evaluated: 2020-11-16. Review status: criteria provided, single submitter. Criteria: GeneDx Variant Classification Process June 2021. Collection method: clinical testing. Allele origin: germline. Affected: yes.

Ambry Genetics
Classification: Benign for Cardiovascular phenotype. Last evaluated: 2019-05-02. Review status: criteria provided, single submitter. Criteria: Ambry Variant Classification Scheme 2023. Collection method: clinical testing. Allele origin: germline.

Breakthrough Genomics
Classification: Likely benign. Review status: criteria provided, single submitter. Criteria: ACMG Guidelines, 2015. Collection method: not provided. Allele origin: germline. Inheritance: X-linked inheritance. Affected: yes.

Clinical Genetics DNA and cytogenetics Diagnostics Lab, Erasmus MC, Erasmus Medical Center
Classification: Likely benign. Review status: no assertion criteria provided. Collection method: clinical testing. Allele origin: germline. Affected: yes. Study: VKGL Data-share Consensus. Not counted in ClinVar's aggregate classification.

Genome Diagnostics Laboratory, Amsterdam University Medical Center
Classification: Benign. Review status: no assertion criteria provided. Collection method: clinical testing. Allele origin: germline. Affected: yes. Study: VKGL Data-share Consensus. Not counted in ClinVar's aggregate classification.

Genome Diagnostics Laboratory, University Medical Center Utrecht
Classification: Likely benign. Review status: no assertion criteria provided. Collection method: clinical testing. Allele origin: germline. Affected: yes. Study: VKGL Data-share Consensus. Not counted in ClinVar's aggregate classification.

NM_001711.6(BGN):c.111C>T (p.Asn37=)

Gene: BGN (biglycan; plus strand). Cytogenetic location: Xq28.
Variant type: single nucleotide variant.
Coding change: c.111C>T on transcript NM_001711.6 (MANE Select); coding-DNA position 111, C replaced by T.
Protein change: p.Asn37=; no amino-acid change (asparagine 37 retained).
Molecular consequence: synonymous variant.
Genome position (GRCh38, 1-based): chrX:153,504,742, C>T. VCF-style: chrX-153504742-C-T. GRCh37 (hg19) VCF-style: chrX-152770200-C-T.
Other names: p.Asn37=.
Identifiers: ClinVar variation 774542 (VCV000774542.23), dbSNP rs145819764, ClinGen allele CA10547123.
Genomic context (GRCh38, chrX:153,504,742, plus strand): 5'-GCCCTTTGAGCAGAGAGGCTTCTGGGACTTCACCCTGGACGATGGGCCATTCATGATGAA[C>T]GATGAGGAAGCTTCGGGCGCTGACACCTCGGGCGTCCTGGACCCGGACTCTGTCACACCC-3'
Protein context (NP_001702.1, residues 27-47): FTLDDGPFMM[Asn37=]DEEASGADTS